The following is an entry in ClinVar:

NM_006073.4(TRDN):c.526GAAAAA[1] (p.176EK[1])

Gene: TRDN (triadin; minus strand). Cytogenetic location: 6q22.31.
Variant type: Microsatellite.
Coding change: c.526GAAAAA[1] on transcript NM_006073.4 (MANE Select); one copy of the 6-base unit GAAAAA starting at c.526; the reference has two copies in a row; one copy, 6 bases deleted.
Protein change: p.176EK[1].
Molecular consequence: inframe deletion.
Genome position (GRCh38, 1-based): chr6:123,516,154-123,516,159, TTTTTC deleted on the plus strand (GAAAAA on the coding strand, the reverse complement: TRDN is on the minus strand); deleting any 6 consecutive bases within chr6:123,516,154-123,516,166 gives the same sequence; the position shown is the placement nearest the transcript's 3' end. VCF-style (leftmost placement, unchanged base first): chr6-123516153-GTTTTTC-G. GRCh37 (hg19) VCF-style: chr6-123837298-GTTTTTC-G.
Other names: c.526GAAAAA[1], p.176EK[1] (NM_001251987.2, NM_001256020.2, NM_001256021.2); c.532_537delGAAAAA (NM_006073.2).
Identifiers: ClinVar variation 1467409 (VCV001467409.10), dbSNP rs1319934569, ClinGen allele CA365568194.
Genomic context (GRCh38, chr6:123,516,153, plus strand): 5'-ATGGGAAAGGACTCAGTGTGTTAAACAGTAATAAAAGTAACTTCATACCTTTCTTTTCAG[GTTTTTC>G]TTTTTCTCTTACTTTTTCTTTTCCTTTTTCTTTTTCTTTGTGTGTAACTGAAAAGAAACA-3'

ClinVar aggregate classification (germline): Uncertain significance. Review status: criteria provided, multiple submitters, no conflicts (2 of 4 stars). 3 submissions from 3 submitters: Uncertain significance (3). Last evaluated 2025-12-01.

Conditions:
Catecholaminergic polymorphic ventricular tachycardia 1. Also called: RYR2-Related Catecholaminergic Polymorphic Ventricular Tachycardia; VENTRICULAR TACHYCARDIA, STRESS-INDUCED POLYMORPHIC 1; VENTRICULAR TACHYCARDIA, CATECHOLAMINERGIC POLYMORPHIC, 1, WITH OR WITHOUT ATRIAL DYSFUNCTION AND/OR DILATED CARDIOMYOPATHY. Identifiers: Orphanet 3286, MedGen C1631597, MONDO:0011484, OMIM 604772.
Cardiovascular phenotype. Identifiers: MedGen CN230736.

Submissions (3):

CeGaT Center for Human Genetics Tuebingen
Classification: Uncertain significance. Last evaluated: 2025-12-01. Review status: criteria provided, single submitter. Criteria: CeGaT Center For Human Genetics Tuebingen Variant Classification Criteria Version 2. Collection method: clinical testing. Allele origin: germline. Affected: yes. Observed: 1 variant allele.
Comment: TRDN: PM2

Ambry Genetics
Classification: Uncertain significance for Cardiovascular phenotype. Last evaluated: 2024-04-02. Review status: criteria provided, single submitter. Criteria: Ambry Variant Classification Scheme 2023. Collection method: clinical testing. Allele origin: germline.
Comment: The c.532_537delGAAAAA variant (also known as p.E178_K179del) is located in coding exon 6 of the TRDN gene. This variant results from an in-frame GAAAAA deletion at nucleotide positions 532 to 537. This results in the in-frame deletion of the glutamic acid and lysine residues at codons 178 and 179. These amino acid positions are highly conserved in available vertebrate species. In addition, the in silico prediction for this alteration is inconclusive (Choi Y et al. PLoS ONE. 2012; 7(10):e46688). Based on the available evidence, the clinical significance of this alteration remains unclear.

Labcorp Genetics (formerly Invitae), Labcorp
Classification: Uncertain significance for Catecholaminergic polymorphic ventricular tachycardia 1. Last evaluated: 2021-10-31. Review status: criteria provided, single submitter. Criteria: Invitae Variant Classification Sherloc (09022015). Collection method: clinical testing. Allele origin: germline.
Comment: This variant, c.532_537del, results in the deletion of 2 amino acid(s) of the TRDN protein (p.Glu178_Lys179del), but otherwise preserves the integrity of the reading frame. This variant is not present in population databases (gnomAD no frequency). This variant has not been reported in the literature in individuals affected with TRDN-related conditions. Experimental studies and prediction algorithms are not available or were not evaluated, and the functional significance of this variant is currently unknown. In summary, the available evidence is currently insufficient to determine the role of this variant in disease. Therefore, it has been classified as a Variant of Uncertain Significance.